The following is an entry in ClinVar:

ClinVar aggregate classification (germline): Pathogenic (1 of 4 stars; one submission).

Conditions:
Shprintzen-Goldberg syndrome (SGS). Also called: Marfanoid disorder with craniosynostosis type 1; Marfanoid craniosynostosis syndrome; Shprintzen-Goldberg marfanoid syndrome; SHPRINTZEN-GOLDBERG CRANIOSYNOSTOSIS SYNDROME; CRANIOSYNOSTOSIS WITH ARACHNODACTYLY AND ABDOMINAL HERNIAS. Identifiers: Orphanet 2462, MedGen C1321551, MONDO:0008426, OMIM 182212.

Submission:

Rady Children's Institute for Genomic Medicine, Rady Children's Hospital San Diego
Classification: Pathogenic for SHPRINTZEN-GOLDBERG CRANIOSYNOSTOSIS SYNDROME. Last evaluated: 2018-11-29. Review status: criteria provided, single submitter. Criteria: ACMG Guidelines, 2015. Collection method: clinical testing. Allele origin: germline. Affected: yes. Observed: 1 variant allele.
Comment: This variant has not been previously reported or functionally characterized in the literature to our knowledge. However, a different missense variant involving the same amino acid residue (p.Ser31Leu) has been reported in a patient with Shprintzen-Goldberg syndrome (PMID: 23103230). The c.91T>C (p.Ser31Pro) variant detected in this individual localizes to the R-SMAD transcription factor binding domain and is situated in close proximity to multiple variants previously reported in patients with Shprintzen-Goldberg syndrome (PMID: 23103230, 23023332). This variant is absent from the ExAC and gnomAD population databases and thus is presumed to be rare. It affects an amino acid that is highly conserved among vertebrates and is predicted by multiple in silico tools to have a deleterious effect on protein function. Analysis of the parental samples was negative for the variant, indicating this variant likely occurred as a de novo event. Based on the available evidence, the c.91T>C (p.Ser31Pro) variant is classified as pathogenic.

NM_003036.4(SKI):c.91T>C (p.Ser31Pro)

Gene: SKI (SKI proto-oncogene; plus strand). Cytogenetic location: 1p36.33.
Variant type: single nucleotide variant.
Coding change: c.91T>C on transcript NM_003036.4 (MANE Select); coding-DNA position 91, T replaced by C.
Protein change: p.Ser31Pro; replaces serine 31 with proline.
Molecular consequence: missense variant.
Genome position (GRCh38, 1-based): chr1:2,228,857, T>C. VCF-style: chr1-2228857-T-C. GRCh37 (hg19) VCF-style: chr1-2160296-T-C.
Other names: short protein forms S31P.
Identifiers: ClinVar variation 692060 (VCV000692060.1), dbSNP rs1569656981, ClinGen allele CA337952076.